The following is an entry in ClinVar:

ClinVar aggregate classification (germline): Uncertain significance (1 of 4 stars; one submission).

Submission:

Labcorp Genetics (formerly Invitae), Labcorp
Classification: Uncertain significance. Last evaluated: 2022-06-20. Review status: criteria provided, single submitter. Criteria: Invitae Variant Classification Sherloc (09022015). Collection method: clinical testing. Allele origin: germline.
Comment: This variant, c.723_728dup, results in the insertion of 2 amino acid(s) of the NTHL1 protein (p.Val242_His243dup), but otherwise preserves the integrity of the reading frame. In summary, the available evidence is currently insufficient to determine the role of this variant in disease. Therefore, it has been classified as a Variant of Uncertain Significance. Algorithms developed to predict the effect of sequence changes on RNA splicing suggest that this variant may create or strengthen a splice site. This variant has not been reported in the literature in individuals affected with NTHL1-related conditions. This variant is not present in population databases (gnomAD no frequency).

NM_002528.7(NTHL1):c.699_704dup (p.His235_Arg236insValHis)

Gene: NTHL1 (nth like DNA glycosylase 1; minus strand). Cytogenetic location: 16p13.3.
Variant type: Duplication.
Coding change: c.699_704dup on transcript NM_002528.7 (MANE Select); coding-DNA positions 699 to 704, 6 bases duplicated (TGTGCA; older notation c.699_704dupTGTGCA).
Protein change: p.His235_Arg236insValHis.
Molecular consequence: inframe insertion.
Genome position (GRCh38, 1-based): chr16:2,040,220-2,040,225, TGCACA duplicated on the plus strand (TGTGCA on the coding strand, the reverse complement: NTHL1 is on the minus strand); duplicating any 6 consecutive bases within chr16:2,040,220-2,040,228 gives the same sequence; the c. name uses the placement nearest the transcript's 3' end. VCF-style (leftmost placement, unchanged base first): chr16-2040219-G-GTGCACA. GRCh37 (hg19) VCF-style: chr16-2090220-G-GTGCACA.
Other names: c.528_533dup, p.His178_Arg179insValHis (NM_001318193.2); c.369_374dup, p.His125_Arg126insValHis (NM_001318194.2).
Identifiers: ClinVar variation 2008722 (VCV002008722.4), dbSNP rs2548312063, ClinGen allele CA2580090531.